The following is an entry in ClinVar:

NM_025137.4(SPG11):c.2143G>T (p.Ala715Ser)

Gene: SPG11 (SPG11 vesicle trafficking associated, spatacsin; minus strand). Cytogenetic location: 15q21.1.
Variant type: single nucleotide variant.
Coding change: c.2143G>T on transcript NM_025137.4 (MANE Select); coding-DNA position 2143, G replaced by T.
Protein change: p.Ala715Ser; replaces alanine 715 with serine.
Molecular consequence: missense variant.
Genome position (GRCh38, 1-based): chr15:44,626,432, C>A on the plus strand (G>T on the coding strand, the complement: SPG11 is on the minus strand). VCF-style: chr15-44626432-C-A. GRCh37 (hg19) VCF-style: chr15-44918630-C-A.
Other names: c.2143G>T, p.Ala715Ser (NM_001160227.2); short protein forms A715S.
Identifiers: ClinVar variation 1379902 (VCV001379902.5), dbSNP rs2083900209, ClinGen allele CA392233716.

ClinVar aggregate classification (germline): Uncertain significance (1 of 4 stars; one submission).

Conditions:
Hereditary spastic paraplegia 11. Also called: Spastic paraplegia, mental retardation and thin corpus callosum; SPASTIC PARAPLEGIA, AUTOSOMAL RECESSIVE, COMPLICATED, WITH THIN CORPUS CALLOSUM; SPASTIC PARAPLEGIA, AUTOSOMAL RECESSIVE, WITH MENTAL IMPAIRMENT AND THIN CORPUS CALLOSUM; Nakamura Osame syndrome; Autosomal recessive hereditary spastic paraplegia, mental impairment, and thin corpus callosum; Spastic Paraplegia 11. Identifiers: Orphanet 2822, MedGen C1858479, MONDO:0011445, OMIM 604360.

Submission:

Labcorp Genetics (formerly Invitae), Labcorp
Classification: Uncertain significance for Hereditary spastic paraplegia 11. Last evaluated: 2022-06-13. Review status: criteria provided, single submitter. Criteria: Invitae Variant Classification Sherloc (09022015). Collection method: clinical testing. Allele origin: germline.
Comment: This variant has not been reported in the literature in individuals affected with SPG11-related conditions. In summary, the available evidence is currently insufficient to determine the role of this variant in disease. Therefore, it has been classified as a Variant of Uncertain Significance. Algorithms developed to predict the effect of missense changes on protein structure and function are either unavailable or do not agree on the potential impact of this missense change (SIFT: "Tolerated"; PolyPhen-2: "Probably Damaging"; Align-GVGD: "Class C0"). This variant is not present in population databases (gnomAD no frequency). This sequence change replaces alanine, which is neutral and non-polar, with serine, which is neutral and polar, at codon 715 of the SPG11 protein (p.Ala715Ser).